The following is an entry in ClinVar:

ClinVar aggregate classification (germline): Benign/Likely benign. Review status: criteria provided, multiple submitters, no conflicts (2 of 4 stars). 7 submissions from 5 submitters: Benign (6); Likely benign (1). Last evaluated 2026-02-03.

Conditions:
Rabson-Mendenhall syndrome. Also called: Pineal Hyperplasia, Insulin-Resistant Diabetes Mellitus, and Somatic Abnormalities; MENDENHALL SYNDROME; Pineal hyperplasia AND diabetes mellitus syndrome. Identifiers: Orphanet 769, MedGen C0271695, MONDO:0009874, OMIM 262190.
Insulin-resistant diabetes mellitus AND acanthosis nigricans. Also called: type A insulin resistance; DIABETES MELLITUS, INSULIN-RESISTANT, WITH ACANTHOSIS NIGRICANS, TYPE A; INSULIN RECEPTOR, DEFECT IN, WITH INSULIN-RESISTANT DIABETES MELLITUS AND ACANTHOSIS NIGRICANS; IRAN, TYPE A; Insulin-resistance syndrome type A. Identifiers: Orphanet 2297, MedGen C0342278, MONDO:0012520, OMIM 610549.
Leprechaunism syndrome. Also called: LEPRECHAUNISM; Donohue syndrome. Identifiers: Orphanet 508, MedGen C0265344, MONDO:0009517, OMIM 246200.

Allele frequency attached by ClinVar (database versions not stated): 1000 Genomes Project 0.06330; 1000 Genomes Project 30x 0.06355; gnomAD exomes 0.06430; ExAC 0.06668; gnomAD 0.08012 and 0.08356; TOPMed 0.08154; ESP Exome Variant Server 0.08765.

Submissions (7):

Labcorp Genetics (formerly Invitae), Labcorp
Classification: Benign. Last evaluated: 2026-02-03. Review status: criteria provided, single submitter. Criteria: Invitae Variant Classification Sherloc (09022015). Collection method: clinical testing. Allele origin: germline.

Blueprint Genetics
Classification: Likely benign. Last evaluated: 2024-11-28. Review status: criteria provided, single submitter. Criteria: ACMG Guidelines, 2015. Collection method: clinical testing. Allele origin: germline.

ARUP Laboratories, Molecular Genetics and Genomics, ARUP Laboratories
Classification: Benign. Last evaluated: 2021-03-24. Review status: criteria provided, single submitter. Criteria: ARUP Molecular Germline Variant Investigation Process 2021. Collection method: clinical testing. Allele origin: germline.

Illumina Laboratory Services, Illumina
Classification: Benign for Insulin-resistant diabetes mellitus AND acanthosis nigricans. Last evaluated: 2018-01-13. Review status: criteria provided, single submitter. Criteria: ICSL Variant Classification Criteria 13 December 2019. Collection method: clinical testing. Allele origin: germline.
Comment: This variant was observed in the ICSL laboratory as part of a predisposition screen in an ostensibly healthy population. It had not been previously curated by ICSL or reported in the Human Gene Mutation Database (HGMD: prior to June 1st, 2018), and was therefore a candidate for classification through an automated scoring system. Utilizing variant allele frequency, disease prevalence and penetrance estimates, and inheritance mode, an automated score was calculated to assess if this variant is too frequent to cause the disease. Based on the score and internal cut-off values, a variant classified as benign is not then subjected to further curation. The score for this variant resulted in a classification of benign for this disease.

Illumina Laboratory Services, Illumina
Classification: Benign for Rabson-Mendenhall syndrome. Last evaluated: 2018-01-13. Review status: criteria provided, single submitter. Criteria: ICSL Variant Classification Criteria 13 December 2019. Collection method: clinical testing. Allele origin: germline.
Comment: the same text as in the submission from Illumina Laboratory Services, Illumina above.

Illumina Laboratory Services, Illumina
Classification: Benign for Leprechaunism syndrome. Last evaluated: 2018-01-13. Review status: criteria provided, single submitter. Criteria: ICSL Variant Classification Criteria 13 December 2019. Collection method: clinical testing. Allele origin: germline.
Comment: the same text as in the submission from Illumina Laboratory Services, Illumina above.

Breakthrough Genomics
Classification: Benign. Review status: criteria provided, single submitter. Criteria: ACMG Guidelines, 2015. Collection method: not provided. Allele origin: germline. Inheritance: Autosomal recessive inheritance. Affected: yes.

NM_000208.4(INSR):c.2007C>T (p.Phe669=)

Gene: INSR (insulin receptor; minus strand). Cytogenetic location: 19p13.2.
Variant type: single nucleotide variant.
Coding change: c.2007C>T on transcript NM_000208.4 (MANE Select); coding-DNA position 2007, C replaced by T.
Protein change: p.Phe669=; no amino-acid change (phenylalanine 669 retained).
Molecular consequence: synonymous variant.
Genome position (GRCh38, 1-based): chr19:7,163,054, G>A on the plus strand (C>T on the coding strand, the complement: INSR is on the minus strand). VCF-style: chr19-7163054-G-A. GRCh37 (hg19) VCF-style: chr19-7163065-G-A.
Other names: c.2007C>T, p.Phe669= (NM_001079817.3).
Identifiers: ClinVar variation 330466 (VCV000330466.22), dbSNP rs2962, ClinGen allele CA9135706.